The following is an entry in ClinVar:

ClinVar aggregate classification (germline): Uncertain significance (1 of 4 stars; one submission).

gnomAD v4.1: 3 of 1,614,146 alleles (0.00019%); highest among the groups gnomAD compares: Non-Finnish European, 0.00025%; no homozygotes.

Submission:

Labcorp Genetics (formerly Invitae), Labcorp
Classification: Uncertain significance. Last evaluated: 2024-04-10. Review status: criteria provided, single submitter. Criteria: Invitae Variant Classification Sherloc (09022015). Collection method: clinical testing. Allele origin: germline.
Comment: This sequence change replaces asparagine, which is neutral and polar, with lysine, which is basic and polar, at codon 341 of the CACNA1D protein (p.Asn341Lys). This variant is not present in population databases (gnomAD no frequency). This variant has not been reported in the literature in individuals affected with CACNA1D-related conditions. Advanced modeling of protein sequence and biophysical properties (such as structural, functional, and spatial information, amino acid conservation, physicochemical variation, residue mobility, and thermodynamic stability) performed at Invitae indicates that this missense variant is not expected to disrupt CACNA1D protein function with a negative predictive value of 80%. In summary, the available evidence is currently insufficient to determine the role of this variant in disease. Therefore, it has been classified as a Variant of Uncertain Significance.

NM_001128840.3(CACNA1D):c.1023C>G (p.Asn341Lys)

Gene: CACNA1D (calcium voltage-gated channel subunit alpha1 D; plus strand). Cytogenetic location: 3p21.1.
Variant type: single nucleotide variant.
Coding change: c.1023C>G on transcript NM_001128840.3 (MANE Select); coding-DNA position 1023, C replaced by G.
Protein change: p.Asn341Lys; replaces asparagine 341 with lysine.
Molecular consequence: missense variant.
Genome position (GRCh38, 1-based): chr3:53,666,442, C>G. VCF-style: chr3-53666442-C-G. GRCh37 (hg19) VCF-style: chr3-53700469-C-G.
Other names: c.1023C>G, p.Asn341Lys (NM_000720.4, NM_001128839.3); short protein forms N341K.
Identifiers: ClinVar variation 2866243 (VCV002866243.3), dbSNP rs201819347, ClinGen allele CA353383515.